The following is an entry in ClinVar:

ClinVar aggregate classification (germline): Uncertain significance (1 of 4 stars; one submission).

gnomAD v4.1: 1 of 1,367,028 alleles (0.000073%); highest among the groups gnomAD compares: South Asian, 0.0011%; no homozygotes.

Submission:

Labcorp Genetics (formerly Invitae), Labcorp
Classification: Uncertain significance. Last evaluated: 2023-08-10. Review status: criteria provided, single submitter. Criteria: Invitae Variant Classification Sherloc (09022015). Collection method: clinical testing. Allele origin: germline.
Comment: ClinVar contains an entry for this variant (Variation ID: 1345282). This variant has not been reported in the literature in individuals affected with ERCC6L2-related conditions. This variant is not present in population databases (gnomAD no frequency). This sequence change replaces tyrosine, which is neutral and polar, with cysteine, which is neutral and slightly polar, at codon 1131 of the ERCC6L2 protein (p.Tyr1131Cys). Experimental studies and prediction algorithms are not available or were not evaluated, and the functional significance of this variant is currently unknown. In summary, the available evidence is currently insufficient to determine the role of this variant in disease. Therefore, it has been classified as a Variant of Uncertain Significance.

NM_020207.7(ERCC6L2):c.3359A>G (p.Tyr1120Cys)

Gene: ERCC6L2 (ERCC excision repair 6 like 2; plus strand). Cytogenetic location: 9q22.32.
Variant type: single nucleotide variant.
Coding change: c.3359A>G on transcript NM_020207.7 (MANE Select); coding-DNA position 3359, A replaced by G.
Protein change: p.Tyr1120Cys; replaces tyrosine 1120 with cysteine.
Molecular consequence: missense variant. On other transcripts: non-coding transcript variant (1).
Genome position (GRCh38, 1-based): chr9:95,978,082, A>G. VCF-style: chr9-95978082-A-G. GRCh37 (hg19) VCF-style: chr9-98740364-A-G.
Other names: c.3359A>G, p.Tyr1120Cys (NM_001375291.1, NM_001375292.1, NM_001375293.1 and 1 more transcripts); short protein forms Y1120C.
Identifiers: ClinVar variation 1345282 (VCV001345282.8), dbSNP rs201342012, ClinGen allele CA466113254.